The following is an entry in ClinVar:

NM_001267550.2(TTN):c.54517C>T (p.Pro18173Ser)

Genes: TTN (titin; minus strand), TTN-AS1 (TTN antisense RNA 1; plus strand). Cytogenetic location: 2q31.2.
Variant type: single nucleotide variant.
Coding change: c.54517C>T on transcript NM_001267550.2 (MANE Select); coding-DNA position 54517, C replaced by T.
Protein change: p.Pro18173Ser; replaces proline 18173 with serine.
Molecular consequence: missense variant.
Genome position (GRCh38, 1-based): chr2:178,604,170, G>A on the plus strand (C>T on the coding strand, the complement: TTN is on the minus strand). VCF-style: chr2-178604170-G-A. GRCh37 (hg19) VCF-style: chr2-179468897-G-A.
Other names: c.46813C>T, p.Pro15605Ser (NM_133378.4); c.49594C>T, p.Pro16532Ser (NM_001256850.1); c.27322C>T, p.Pro9108Ser (NM_003319.4); c.27697C>T, p.Pro9233Ser (NM_133432.3); c.27898C>T, p.Pro9300Ser (NM_133437.4); short protein forms P15605S, P18173S, P9108S, P9233S, P9300S, P16532S.
Identifiers: ClinVar variation 229464 (VCV000229464.27), dbSNP rs766074604, ClinGen allele CA1993619.

ClinVar aggregate classification (germline): Conflicting classifications of pathogenicity. Review status: criteria provided, conflicting classifications (1 of 4 stars). 7 submissions from 7 submitters: Uncertain significance (3); Likely benign (3). 1 of the submissions does not count toward it. Last evaluated 2026-02-01.

Conditions:
TTN-related disorder. Also called: TTN-related condition; TTN-related disease; TTN-related disorders.
Cardiovascular phenotype. Identifiers: MedGen CN230736.
Autosomal recessive limb-girdle muscular dystrophy type 2J (LGMDR10). Also called: Limb-girdle muscular dystrophy, type 2J; MUSCULAR DYSTROPHY, LIMB-GIRDLE, AUTOSOMAL RECESSIVE 10. Identifiers: Orphanet 140922, MedGen C1837342, MONDO:0012127, OMIM 608807.
Dilated cardiomyopathy 1G (CMD1G). Identifiers: Orphanet 154, MedGen C1858763, MONDO:0011400, OMIM 604145.
Cardiomyopathy (CMYO). Also called: Cardiomyopathies. Identifiers: Orphanet 167848, MedGen C0878544, MONDO:0004994, HP:0001638. Inheritance: Various modes of inheritance.

Allele frequency attached by ClinVar (database versions not stated): gnomAD 0.00005 and 0.00006; gnomAD exomes 0.00011 and 0.00026; TOPMed 0.00012; ExAC 0.00023.
gnomAD v4.1: 75 of 1,612,008 alleles (0.0047%); highest among the groups gnomAD compares: Admixed American, 0.12%; no homozygotes.

Submissions (7):

CeGaT Center for Human Genetics Tuebingen
Classification: Uncertain significance. Last evaluated: 2026-02-01. Review status: criteria provided, single submitter. Criteria: CeGaT Center For Human Genetics Tuebingen Variant Classification Criteria Version 2. Collection method: clinical testing. Allele origin: germline. Affected: yes. Observed: 1 variant allele.
Comment: TTN: PM2

Labcorp Genetics (formerly Invitae), Labcorp
Classification: Likely benign for Dilated cardiomyopathy 1G; Autosomal recessive limb-girdle muscular dystrophy type 2J. Last evaluated: 2026-01-21. Review status: criteria provided, single submitter. Criteria: Invitae Variant Classification Sherloc (09022015). Collection method: clinical testing. Allele origin: germline.

Revvity Omics, Revvity
Classification: Uncertain significance. Last evaluated: 2024-12-04. Review status: criteria provided, single submitter. Criteria: ACMG Guidelines, 2015. Collection method: clinical testing. Allele origin: germline.

Ambry Genetics
Classification: Likely benign for Cardiovascular phenotype. Last evaluated: 2019-08-21. Review status: criteria provided, single submitter. Criteria: Ambry Variant Classification Scheme 2023. Collection method: clinical testing. Allele origin: germline.

Center for Advanced Laboratory Medicine, UC San Diego Health, University of California San Diego
Classification: Likely benign for Cardiomyopathy. Last evaluated: 2018-09-04. Review status: criteria provided, single submitter. Criteria: ACMG Guidelines, 2015. Collection method: clinical testing. Allele origin: germline. Affected: yes. Observed: 2 variant alleles.

Laboratory for Molecular Medicine, Mass General Brigham Personalized Medicine
Classification: Uncertain significance. Last evaluated: 2017-06-02. Review status: criteria provided, single submitter. Criteria: LMM Criteria. Collection method: clinical testing. Allele origin: germline. Observed: 1 variant allele.
Comment: Variant classified as Uncertain Significance - Favor Benign. Computational prediction tools and conservation analysis suggest th at this variant may impact the protein, though this information is not predictiv e enough to determine pathogenicity. In summary, while the clinical significance of the p.Pro15605Ser variant is uncertain, its frequency suggests that it is mo re likely to be benign.

PreventionGenetics, part of Exact Sciences
Classification: Likely benign for TTN-related condition. Last evaluated: 2022-08-24. Review status: no assertion criteria provided. Collection method: clinical testing. Allele origin: germline. Not counted in ClinVar's aggregate classification.
Comment: This variant is classified as likely benign based on ACMG/AMP sequence variant interpretation guidelines (Richards et al. 2015 PMID: 25741868, with internal and published modifications).